The following is an entry in ClinVar:

ClinVar aggregate classification (germline): Conflicting classifications of pathogenicity. Review status: criteria provided, conflicting classifications (1 of 4 stars). 2 submissions from 2 submitters: Uncertain significance (1); Benign (1). Last evaluated 2022-11-17.

Conditions:
Hereditary coproporphyria (HCP). Also called: Hereditary coproporphyria porphyria; Porphyria hepatica coproporphyria; Porphyria hepatica II; CPRO deficiency; COPROPORPHYRINOGEN OXIDASE DEFICIENCY; CPO DEFICIENCY. Identifiers: Orphanet 79273, MedGen C0162531, MONDO:0007369, OMIM 121300.

Allele frequency attached by ClinVar (database versions not stated): TOPMed 0.00007; gnomAD exomes 0.00014 and 0.00020; gnomAD 0.00017; ExAC 0.00031.
gnomAD v4.1: 232 of 1,613,744 alleles (0.014%); highest among the groups gnomAD compares: Non-Finnish European, 0.014%; no homozygotes.

Submissions (2):

Labcorp Genetics (formerly Invitae), Labcorp
Classification: Uncertain significance. Last evaluated: 2022-11-17. Review status: criteria provided, single submitter. Criteria: Invitae Variant Classification Sherloc (09022015). Collection method: clinical testing. Allele origin: germline.
Comment: This variant has not been reported in the literature in individuals affected with CPOX-related conditions. ClinVar contains an entry for this variant (Variation ID: 899908). Algorithms developed to predict the effect of sequence changes on RNA splicing suggest that this variant may disrupt the consensus splice site. In summary, the available evidence is currently insufficient to determine the role of this variant in disease. Therefore, it has been classified as a Variant of Uncertain Significance. This variant is present in population databases (rs200869871, gnomAD 0.05%). This sequence change affects codon 170 of the CPOX mRNA. It is a 'silent' change, meaning that it does not change the encoded amino acid sequence of the CPOX protein.

Illumina Laboratory Services, Illumina
Classification: Benign for Hereditary coproporphyria. Last evaluated: 2018-01-13. Review status: criteria provided, single submitter. Criteria: ICSL Variant Classification Criteria 13 December 2019. Collection method: clinical testing. Allele origin: germline.
Comment: This variant was observed in the ICSL laboratory as part of a predisposition screen in an ostensibly healthy population. It had not been previously curated by ICSL or reported in the Human Gene Mutation Database (HGMD: prior to June 1st, 2018), and was therefore a candidate for classification through an automated scoring system. Utilizing variant allele frequency, disease prevalence and penetrance estimates, and inheritance mode, an automated score was calculated to assess if this variant is too frequent to cause the disease. Based on the score and internal cut-off values, a variant classified as benign is not then subjected to further curation. The score for this variant resulted in a classification of benign for this disease.

NM_000097.7(CPOX):c.510A>G (p.Val170=)

Gene: CPOX (coproporphyrinogen oxidase; minus strand). Cytogenetic location: 3q11.2.
Variant type: single nucleotide variant.
Coding change: c.510A>G on transcript NM_000097.7 (MANE Select); coding-DNA position 510, A replaced by G.
Protein change: p.Val170=; no amino-acid change (valine 170 retained).
Molecular consequence: synonymous variant.
Genome position (GRCh38, 1-based): chr3:98,592,995, T>C on the plus strand (A>G on the coding strand, the complement: CPOX is on the minus strand). VCF-style: chr3-98592995-T-C. GRCh37 (hg19) VCF-style: chr3-98311839-T-C.
Identifiers: ClinVar variation 899908 (VCV000899908.7), dbSNP rs200869871, ClinGen allele CA2511696.